The following is an entry in ClinVar:

NM_139242.4(MTFMT):c.906G>A (p.Thr302=)

Gene: MTFMT (mitochondrial methionyl-tRNA formyltransferase; minus strand). Cytogenetic location: 15q22.31.
Variant type: single nucleotide variant.
Coding change: c.906G>A on transcript NM_139242.4 (MANE Select); coding-DNA position 906, G replaced by A.
Protein change: p.Thr302=; no amino-acid change (threonine 302 retained).
Molecular consequence: synonymous variant.
Genome position (GRCh38, 1-based): chr15:65,004,923, C>T on the plus strand (G>A on the coding strand, the complement: MTFMT is on the minus strand). VCF-style: chr15-65004923-C-T. GRCh37 (hg19) VCF-style: chr15-65297261-C-T.
Other names: p.T302T:ACG>ACA.
Identifiers: ClinVar variation 138265 (VCV000138265.14), dbSNP rs34636936, ClinGen allele CA292173.

ClinVar aggregate classification (germline): Benign. Review status: criteria provided, multiple submitters, no conflicts (2 of 4 stars). 4 submissions from 4 submitters: Benign (3). 1 of the submissions does not count toward it. Last evaluated 2026-01-19.

Allele frequency attached by ClinVar (database versions not stated): 1000 Genomes Project 0.01038; 1000 Genomes Project 30x 0.01109; TOPMed 0.01483; ESP Exome Variant Server 0.01543; gnomAD 0.01644 and 0.01698; ExAC 0.01708; gnomAD exomes 0.01724.
gnomAD v4.1: 29,383 of 1,609,894 alleles (1.8%); highest among the groups gnomAD compares: Non-Finnish European, 2%; 313 homozygotes.

Submissions (4):

Labcorp Genetics (formerly Invitae), Labcorp
Classification: Benign. Last evaluated: 2026-01-19. Review status: criteria provided, single submitter. Criteria: Invitae Variant Classification Sherloc (09022015). Collection method: clinical testing. Allele origin: germline.

GeneDx
Classification: Benign. Last evaluated: 2013-09-09. Review status: criteria provided, single submitter. Criteria: GeneDx Variant Classification (06012015). Collection method: clinical testing. Allele origin: germline. Affected: yes.
Comment: This variant is considered likely benign or benign based on one or more of the following criteria: it is a conservative change, it occurs at a poorly conserved position in the protein, it is predicted to be benign by multiple in silico algorithms, and/or has population frequency not consistent with disease.

Breakthrough Genomics
Classification: Benign. Review status: criteria provided, single submitter. Criteria: ACMG Guidelines, 2015. Collection method: not provided. Allele origin: germline. Inheritance: Autosomal recessive inheritance. Affected: yes.

Mayo Clinic Laboratories, Mayo Clinic
Classification: Benign. Last evaluated: 2016-02-26. Review status: no assertion criteria provided. Collection method: clinical testing. Allele origin: unknown. Not counted in ClinVar's aggregate classification.